The following is an entry in ClinVar:

ClinVar aggregate classification (germline): Uncertain significance (1 of 4 stars; one submission).

Conditions:
Creatine transporter deficiency (CCDS1). Also called: Creatine Transporter (CRTR) Deficiency; Mental retardation , X-linked with seizures, short stature and midface hypoplasia; Mental retardation , X-linked, with creatine transport deficiency; X-linked creatine transporter deficiency; X-linked creatine deficiency syndrome; SLC6A8-Related Creatine Transporter Deficiency. Identifiers: Orphanet 52503, MedGen C1845862, MONDO:0010305, OMIM 300352.

Allele frequency attached by ClinVar (database versions not stated): TOPMed 0.00001.

Submission:

Labcorp Genetics (formerly Invitae), Labcorp
Classification: Uncertain significance for Creatine transporter deficiency. Last evaluated: 2024-06-30. Review status: criteria provided, single submitter. Criteria: Invitae Variant Classification Sherloc (09022015). Collection method: clinical testing. Allele origin: germline.
Comment: This sequence change replaces proline, which is neutral and non-polar, with threonine, which is neutral and polar, at codon 31 of the SLC6A8 protein (p.Pro31Thr). This variant is not present in population databases (gnomAD no frequency). This variant has not been reported in the literature in individuals affected with SLC6A8-related conditions. Advanced modeling of protein sequence and biophysical properties (such as structural, functional, and spatial information, amino acid conservation, physicochemical variation, residue mobility, and thermodynamic stability) performed at Invitae indicates that this missense variant is not expected to disrupt SLC6A8 protein function with a negative predictive value of 95%. In summary, the available evidence is currently insufficient to determine the role of this variant in disease. Therefore, it has been classified as a Variant of Uncertain Significance.

NM_005629.4(SLC6A8):c.91C>A (p.Pro31Thr)

Gene: SLC6A8 (solute carrier family 6 member 8; plus strand). Cytogenetic location: Xq28.
Variant type: single nucleotide variant.
Coding change: c.91C>A on transcript NM_005629.4 (MANE Select); coding-DNA position 91, C replaced by A.
Protein change: p.Pro31Thr; replaces proline 31 with threonine.
Molecular consequence: missense variant.
Genome position (GRCh38, 1-based): chrX:153,688,665, C>A. VCF-style: chrX-153688665-C-A. GRCh37 (hg19) VCF-style: chrX-152954120-C-A.
Other names: c.91C>A, p.Pro31Thr (NM_001142805.2); short protein forms P31T.
Identifiers: ClinVar variation 2818791 (VCV002818791.2), dbSNP rs1385095471, ClinGen allele CA415076207.
Genomic context (GRCh38, chrX:153,688,665, plus strand): 5'-TATAGCGTGTCCGGCGACGAGAAGAAGGGCCCCCTCATCGCGCCCGGGCCCGACGGGGCC[C>A]CGGCCAAGGGCGACGGCCCCGTGGGCCTGGGGACACCCGGCGGCCGCCTGGCCGTGCCGC-3'
Protein context (NP_005620.1, residues 21-41): PLIAPGPDGA[Pro31Thr]AKGDGPVGLG